The following is an entry in ClinVar:

ClinVar aggregate classification (germline): Likely benign (1 of 4 stars; one submission).

gnomAD v4.1: 57 of 1,614,222 alleles (0.0035%); highest among the groups gnomAD compares: Non-Finnish European, 0.0047%; no homozygotes.

Submission:

CeGaT Center for Human Genetics Tuebingen
Classification: Likely benign. Last evaluated: 2026-06-01. Review status: criteria provided, single submitter. Criteria: CeGaT Center For Human Genetics Tuebingen Variant Classification Criteria Version 2. Collection method: clinical testing. Allele origin: germline. Affected: yes. Observed: 1 variant allele.
Comment: SPG7: BP4, BP7

NM_003119.4(SPG7):c.744A>G (p.Thr248=)

Gene: SPG7 (SPG7 matrix AAA peptidase subunit, paraplegin; plus strand). Cytogenetic location: 16q24.3.
Variant type: single nucleotide variant.
Coding change: c.744A>G on transcript NM_003119.4 (MANE Select); coding-DNA position 744, A replaced by G.
Protein change: p.Thr248=; no amino-acid change (threonine 248 retained).
Molecular consequence: synonymous variant.
Genome position (GRCh38, 1-based): chr16:89,526,454, A>G. VCF-style: chr16-89526454-A-G. GRCh37 (hg19) VCF-style: chr16-89592862-A-G.
Other names: c.744A>G, p.Thr248= (NM_001363850.1, NM_199367.3).
Identifiers: ClinVar variation 4872067 (VCV004872067.2).